The following is an entry in ClinVar:

ClinVar aggregate classification (germline): Likely benign (1 of 4 stars; one submission).

Allele frequency attached by ClinVar (database versions not stated): gnomAD 0.00002; TOPMed 0.00003.

Submission:

CeGaT Center for Human Genetics Tuebingen
Classification: Likely benign. Last evaluated: 2022-08-01. Review status: criteria provided, single submitter. Criteria: CeGaT Center For Human Genetics Tuebingen Variant Classification Criteria Version 2. Collection method: clinical testing. Allele origin: germline. Affected: yes. Observed: 1 variant allele.
Comment: SMG8: BP4, BP7

NM_018149.7(SMG8):c.609A>C (p.Leu203=)

Gene: SMG8 (SMG8 nonsense mediated mRNA decay factor; plus strand). Cytogenetic location: 17q22.
Variant type: single nucleotide variant.
Coding change: c.609A>C on transcript NM_018149.7 (MANE Select); coding-DNA position 609, A replaced by C.
Protein change: p.Leu203=; no amino-acid change (leucine 203 retained).
Molecular consequence: synonymous variant.
Genome position (GRCh38, 1-based): chr17:59,210,660, A>C. VCF-style: chr17-59210660-A-C. GRCh37 (hg19) VCF-style: chr17-57288021-A-C.
Identifiers: ClinVar variation 2647975 (VCV002647975.24), dbSNP rs780141766, ClinGen allele CA8679482.